The following is an entry in ClinVar:

ClinVar aggregate classification (germline): Conflicting classifications of pathogenicity. Review status: criteria provided, conflicting classifications (1 of 4 stars). 4 submissions from 4 submitters: Uncertain significance (1); Likely benign (2). 1 of the submissions does not count toward it. Last evaluated 2025-11-26.

Conditions:
TCF20-related disorder. Also called: TCF20-related condition.
Inborn genetic diseases. Identifiers: MedGen C0950123, MeSH D030342.

Allele frequency attached by ClinVar (database versions not stated): ExAC 0.00004; gnomAD exomes 0.00005; ESP Exome Variant Server 0.00008.
gnomAD v4.1: 116 of 1,614,080 alleles (0.0072%); highest among the groups gnomAD compares: Non-Finnish European, 0.0095%; no homozygotes.

Submissions (4):

PreventionGenetics, part of Exact Sciences
Classification: Uncertain significance for TCF20-related condition. Last evaluated: 2025-11-26. Review status: criteria provided, single submitter. Criteria: ACMG Guidelines, 2015. Collection method: clinical testing. Allele origin: germline.
Comment: The TCF20 c.3877G>C variant is predicted to result in the amino acid substitution p.Asp1293His. To our knowledge, this variant has not been reported in the literature. This variant is reported in 0.011% of alleles in individuals of European (Non-Finnish) descent in gnomAD. Although we suspect that this variant may be benign, at this time, the clinical significance of this variant is uncertain due to the absence of conclusive functional and genetic evidence.

Labcorp Genetics (formerly Invitae), Labcorp
Classification: Likely benign. Last evaluated: 2025-09-08. Review status: criteria provided, single submitter. Criteria: Invitae Variant Classification Sherloc (09022015). Collection method: clinical testing. Allele origin: germline.

Ambry Genetics
Classification: Likely benign for Inborn genetic diseases. Last evaluated: 2023-02-16. Review status: criteria provided, single submitter. Criteria: Ambry Variant Classification Scheme 2023. Collection method: clinical testing. Allele origin: germline.

Department of Pathology and Laboratory Medicine, Sinai Health System
Classification: Uncertain significance. Review status: no assertion criteria provided. Collection method: clinical testing. Allele origin: unknown. Affected: yes. Study: The Canadian Open Genetics Repository (COGR). Not counted in ClinVar's aggregate classification.

NM_001378418.1(TCF20):c.3877G>C (p.Asp1293His)

Gene: TCF20 (transcription factor 20; minus strand). Cytogenetic location: 22q13.2.
Variant type: single nucleotide variant.
Coding change: c.3877G>C on transcript NM_001378418.1 (MANE Select); coding-DNA position 3877, G replaced by C.
Protein change: p.Asp1293His; replaces aspartic acid 1293 with histidine.
Molecular consequence: missense variant.
Genome position (GRCh38, 1-based): chr22:42,211,429, C>G on the plus strand (G>C on the coding strand, the complement: TCF20 is on the minus strand). VCF-style: chr22-42211429-C-G. GRCh37 (hg19) VCF-style: chr22-42607435-C-G.
Other names: c.3877G>C, p.Asp1293His (NM_005650.4, NM_181492.3); c.3877G>C (NM_005650.1, NM_005650.3); short protein forms D1293H.
Identifiers: ClinVar variation 1049222 (VCV001049222.4), dbSNP rs374767438, ClinGen allele CA10266761.